The following is an entry in ClinVar:

NM_032638.5(GATA2):c.*24G>A

Gene: GATA2 (GATA binding protein 2; minus strand). Cytogenetic location: 3q21.3.
Variant type: single nucleotide variant.
Coding change: c.*24G>A on transcript NM_032638.5 (MANE Select); 24 bases downstream of the stop codon, G replaced by A.
Molecular consequence: 3 prime UTR variant.
Genome position (GRCh38, 1-based): chr3:128,480,995, C>T on the plus strand (G>A on the coding strand, the complement: GATA2 is on the minus strand). VCF-style: chr3-128480995-C-T. GRCh37 (hg19) VCF-style: chr3-128199838-C-T.
Other names: c.*24G>A (NM_001145661.2, NM_001145662.1).
Identifiers: ClinVar variation 343135 (VCV000343135.5), dbSNP rs201159232, ClinGen allele CA2599766.

ClinVar aggregate classification (germline): Benign (1 of 4 stars; one submission).

Conditions:
Deafness-lymphedema-leukemia syndrome. Also called: Lymphedema, primary, with myelodysplasia; Emberger syndrome. Identifiers: Orphanet 3226, MedGen C3279664, MONDO:0013540, OMIM 614038.

Allele frequency attached by ClinVar (database versions not stated): gnomAD 0.00012 and 0.00018; 1000 Genomes Project 0.00100; 1000 Genomes Project 30x 0.00094; TOPMed 0.00024; gnomAD exomes 0.00062; ExAC 0.00099.
gnomAD v4.1: 216 of 1,529,188 alleles (0.014%); highest among the groups gnomAD compares: East Asian, 0.42%; no homozygotes.

Submission:

Illumina Laboratory Services, Illumina
Classification: Benign for Deafness-lymphedema-leukemia syndrome. Last evaluated: 2018-01-12. Review status: criteria provided, single submitter. Criteria: ICSL Variant Classification Criteria 13 December 2019. Collection method: clinical testing. Allele origin: germline.
Comment: This variant was observed in the ICSL laboratory as part of a predisposition screen in an ostensibly healthy population. It had not been previously curated by ICSL or reported in the Human Gene Mutation Database (HGMD: prior to June 1st, 2018), and was therefore a candidate for classification through an automated scoring system. Utilizing variant allele frequency, disease prevalence and penetrance estimates, and inheritance mode, an automated score was calculated to assess if this variant is too frequent to cause the disease. Based on the score and internal cut-off values, a variant classified as benign is not then subjected to further curation. The score for this variant resulted in a classification of benign for this disease.